The following is an entry in ClinVar:

ClinVar aggregate classification (germline): Likely pathogenic. Review status: criteria provided, multiple submitters, no conflicts (2 of 4 stars). 3 submissions from 3 submitters: Likely pathogenic (2). 1 of the submissions does not count toward it. Last evaluated 2024-03-20.

Conditions:
Ichthyosis bullosa of Siemens (IBS). Also called: Superficial epidermolytic ichthyosis. Identifiers: Orphanet 455, MedGen C0432306, MONDO:0007813, OMIM 146800.

Submissions (3):

GeneDx
Classification: Likely pathogenic. Last evaluated: 2024-03-20. Review status: criteria provided, single submitter. Criteria: GeneDx Variant Classification Process June 2021. Collection method: clinical testing. Allele origin: germline. Affected: yes.
Comment: Located in the highly conserved helix termination motif of the alpha-helical rod domain, which is intolerant to change; variants in this motif interfere with proper keratin intermediate filament assembly and function, resulting in skin fragility and/or hyperkeratosis (PMID: 21176769); Not observed at significant frequency in large population cohorts (gnomAD); In silico analysis supports that this missense variant has a deleterious effect on protein structure/function; Has been reported, as E494K due to use of alternate nomenclature, in a family with clinical features of ichthyosis bullosa of Siemens (PMID: 9036938); This variant is associated with the following publications: (PMID: 21176769, 9036938)

Fulgent Genetics
Classification: Likely pathogenic for Ichthyosis bullosa of Siemens. Last evaluated: 2024-02-02. Review status: criteria provided, single submitter. Criteria: ACMG Guidelines, 2015. Collection method: clinical testing. Allele origin: germline.

Epithelial Biology;  Institute of Medical Biology, Singapore
No classification provided. Review status: no classification provided. Collection method: not provided. Allele origin: not provided. Not counted in ClinVar's aggregate classification.

NM_000423.3(KRT2):c.1462G>A (p.Glu488Lys)

Gene: KRT2 (keratin 2; minus strand). Cytogenetic location: 12q13.13.
Variant type: single nucleotide variant.
Coding change: c.1462G>A on transcript NM_000423.3 (MANE Select); coding-DNA position 1462, G replaced by A.
Protein change: p.Glu488Lys; replaces glutamic acid 488 with lysine.
Molecular consequence: missense variant.
Genome position (GRCh38, 1-based): chr12:52,646,747, C>T on the plus strand (G>A on the coding strand, the complement: KRT2 is on the minus strand). VCF-style: chr12-52646747-C-T. GRCh37 (hg19) VCF-style: chr12-53040531-C-T.
Other names: short protein forms E488K.
Identifiers: ClinVar variation 66192 (VCV000066192.3), dbSNP rs61726452, ClinGen allele CA216632.